The following is an entry in ClinVar:

ClinVar aggregate classification (germline): Uncertain significance (1 of 4 stars; one submission).

Conditions:
Neuroblastoma, susceptibility to, 3. Also called: ALK-Related Neuroblastic Tumor Susceptibility. Identifiers: Orphanet 635, MedGen C2751681, MONDO:0013083, OMIM 613014.

Submission:

Labcorp Genetics (formerly Invitae), Labcorp
Classification: Uncertain significance for Neuroblastoma, susceptibility to, 3. Last evaluated: 2024-10-22. Review status: criteria provided, single submitter. Criteria: Invitae Variant Classification Sherloc (09022015). Collection method: clinical testing. Allele origin: germline.
Comment: This sequence change creates a premature translational stop signal (p.Gly820Glufs*11) in the ALK gene. It is expected to result in an absent or disrupted protein product. However, the current clinical and genetic evidence is not sufficient to establish whether loss-of-function variants in ALK cause disease. This variant is not present in population databases (gnomAD no frequency). This variant has not been reported in the literature in individuals affected with ALK-related conditions. ClinVar contains an entry for this variant (Variation ID: 1504293). In summary, the available evidence is currently insufficient to determine the role of this variant in disease. Therefore, it has been classified as a Variant of Uncertain Significance.

NM_004304.5(ALK):c.2459del (p.Gly820fs)

Gene: ALK (ALK receptor tyrosine kinase; minus strand). Cytogenetic location: 2p23.2.
Variant type: Deletion.
Coding change: c.2459del on transcript NM_004304.5 (MANE Select); coding-DNA position 2459, one base deleted (G; older notation c.2459delG).
Protein change: p.Gly820fs; shifts the reading frame from glycine 820.
Molecular consequence: frameshift variant.
Genome position (GRCh38, 1-based): chr2:29,233,593, C deleted on the plus strand (G on the coding strand, the reverse complement: ALK is on the minus strand); the first of 2 consecutive C bases (chr2:29,233,593-29,233,594); deleting either gives the same sequence. VCF-style (leftmost placement, unchanged base first): chr2-29233592-TC-T. GRCh37 (hg19) VCF-style: chr2-29456458-TC-T.
Other names: short protein forms G820fs.
Identifiers: ClinVar variation 1504293 (VCV001504293.6), dbSNP rs2148184481, ClinGen allele CA2573134551.